The following is an entry in ClinVar:

NM_024675.4(PALB2):c.3533G>C (p.Gly1178Ala)

Gene: PALB2 (partner and localizer of BRCA2; minus strand). Cytogenetic location: 16p12.2.
Variant type: single nucleotide variant.
Coding change: c.3533G>C on transcript NM_024675.4 (MANE Select); coding-DNA position 3533, G replaced by C.
Protein change: p.Gly1178Ala; replaces glycine 1178 with alanine.
Molecular consequence: missense variant.
Genome position (GRCh38, 1-based): chr16:23,603,487, C>G on the plus strand (G>C on the coding strand, the complement: PALB2 is on the minus strand). VCF-style: chr16-23603487-C-G. GRCh37 (hg19) VCF-style: chr16-23614808-C-G.
Other names: c.3473G>C, p.Gly1158Ala (NM_001407296.1); c.3461G>C, p.Gly1154Ala (NM_001407297.1); c.3371G>C, p.Gly1124Ala (NM_001407298.1); c.3296G>C, p.Gly1099Ala (NM_001407299.1); c.3254G>C, p.Gly1085Ala (NM_001407300.1); c.*168G>C (NM_001407301.1, NM_001407302.1, NM_001407310.1 and 2 more transcripts); c.2648G>C, p.Gly883Ala (NM_001407304.1, NM_001407305.1, NM_001407306.1); c.2486G>C, p.Gly829Ala (NM_001407307.1); and 3 more; short protein forms G1154A, G1158A, G804A, G883A, G1085A, G1099A, G1178A, G356A.
Identifiers: ClinVar variation 2013915 (VCV002013915.4), dbSNP rs1966395601, ClinGen allele CA395137766.
Genomic context (GRCh38, chr16:23,603,487, plus strand): 5'-TCCAGAAAATTGTGTTTTCACTTTACCCTAACTTATGAATAGTGGTATACAAATATATTT[C>G]CATCTTTTTGTCCAGCCAGCAAATGAGAGTCTGTACCCGACCATTTCACAAAAGACCAAT-3'
Protein context (NP_078951.2, residues 1168-1186): DSHLLAGQKD[Gly1178Ala]NIFVYHYS

ClinVar aggregate classification (germline): Uncertain significance (1 of 4 stars; one submission).

Conditions:
Familial cancer of breast. Also called: Hereditary breast cancer; BREAST CANCER, FAMILIAL; hereditary breast carcinoma. Identifiers: Orphanet 227535, MedGen C0346153, MONDO:0016419, OMIM 114480. Disease mechanism: loss of function.

Allele frequency attached by ClinVar (database versions not stated): gnomAD exomes below 0.00001.
gnomAD v4.1: 1 of 1,613,602 alleles (0.000062%); highest among the groups gnomAD compares: East Asian, 0.0022%; no homozygotes.

Submission:

Labcorp Genetics (formerly Invitae), Labcorp
Classification: Uncertain significance for Familial cancer of breast. Last evaluated: 2022-07-05. Review status: criteria provided, single submitter. Criteria: Invitae Variant Classification Sherloc (09022015). Collection method: clinical testing. Allele origin: germline.
Comment: In summary, the available evidence is currently insufficient to determine the role of this variant in disease. Therefore, it has been classified as a Variant of Uncertain Significance. Algorithms developed to predict the effect of missense changes on protein structure and function (SIFT, PolyPhen-2, Align-GVGD) all suggest that this variant is likely to be disruptive. This variant has not been reported in the literature in individuals affected with PALB2-related conditions. This variant is not present in population databases (gnomAD no frequency). This sequence change replaces glycine, which is neutral and non-polar, with alanine, which is neutral and non-polar, at codon 1178 of the PALB2 protein (p.Gly1178Ala).